The following is an entry in ClinVar:

NM_001046.3(SLC12A2):c.1205T>C (p.Met402Thr)

Gene: SLC12A2 (solute carrier family 12 member 2; plus strand). Cytogenetic location: 5q23.3.
Variant type: single nucleotide variant.
Coding change: c.1205T>C on transcript NM_001046.3 (MANE Select); coding-DNA position 1205, T replaced by C.
Protein change: p.Met402Thr; replaces methionine 402 with threonine.
Molecular consequence: missense variant. On other transcripts: non-coding transcript variant (1).
Genome position (GRCh38, 1-based): chr5:128,134,181, T>C. VCF-style: chr5-128134181-T-C. GRCh37 (hg19) VCF-style: chr5-127469873-T-C.
Other names: c.1205T>C, p.Met402Thr (NM_001256461.2); short protein forms M402T.
Identifiers: ClinVar variation 4762707 (VCV004762707.1).

ClinVar aggregate classification (germline): Uncertain significance (1 of 4 stars; one submission).

gnomAD v4.1: 10 of 1,570,378 alleles (0.00064%); highest among the groups gnomAD compares: East Asian, 0.0022%; no homozygotes.

Submission:

Labcorp Genetics (formerly Invitae), Labcorp
Classification: Uncertain significance. Last evaluated: 2025-09-10. Review status: criteria provided, single submitter. Criteria: Invitae Variant Classification Sherloc (09022015). Collection method: clinical testing. Allele origin: germline.
Comment: This sequence change replaces methionine, which is neutral and non-polar, with threonine, which is neutral and polar, at codon 402 of the SLC12A2 protein (p.Met402Thr). This variant is present in population databases (rs760124697, gnomAD 0.002%). This variant has not been reported in the literature in individuals affected with SLC12A2-related conditions. Invitae Evidence Modeling of protein sequence and biophysical properties (such as structural, functional, and spatial information, amino acid conservation, physicochemical variation, residue mobility, and thermodynamic stability) indicates that this missense variant is not expected to disrupt SLC12A2 protein function with a negative predictive value of 80%. In summary, the available evidence is currently insufficient to determine the role of this variant in disease. Therefore, it has been classified as a Variant of Uncertain Significance.